The following is an entry in ClinVar:

ClinVar aggregate classification (germline): Likely benign. Review status: criteria provided, multiple submitters, no conflicts (2 of 4 stars). 5 submissions from 5 submitters: Likely benign (4). 1 of the submissions does not count toward it. Last evaluated 2025-04-30.

Conditions:
Connective tissue disorder. Also called: Connective tissue disease. Identifiers: MedGen C0009782, MONDO:0003900.
COL11A1-related disorder. Also called: COL11A1-related condition; COL11A1-related disorders.

Allele frequency attached by ClinVar (database versions not stated): gnomAD 0.00001 and 0.00002.
gnomAD v4.1: 11 of 1,611,146 alleles (0.00068%); highest among the groups gnomAD compares: Admixed American, 0.0017%; no homozygotes.

Submissions (5):

Women's Health and Genetics/Laboratory Corporation of America, LabCorp
Classification: Likely benign. Last evaluated: 2025-04-30. Review status: criteria provided, single submitter. Criteria: LabCorp Variant Classification Summary - May 2015. Collection method: clinical testing. Allele origin: germline.

Labcorp Genetics (formerly Invitae), Labcorp
Classification: Likely benign. Last evaluated: 2024-06-21. Review status: criteria provided, single submitter. Criteria: Invitae Variant Classification Sherloc (09022015). Collection method: clinical testing. Allele origin: germline.

GeneDx
Classification: Likely benign. Last evaluated: 2021-02-05. Review status: criteria provided, single submitter. Criteria: GeneDx Variant Classification Process June 2021. Collection method: clinical testing. Allele origin: germline. Affected: yes.

Center for Human Genetics, Inc
Classification: Likely benign for Connective tissue disorder. Last evaluated: 2016-11-01. Review status: criteria provided, single submitter. Criteria: ACMG Guidelines, 2015. Collection method: clinical testing. Allele origin: germline. Affected: yes.

PreventionGenetics, part of Exact Sciences
Classification: Likely benign for COL11A1-related condition. Last evaluated: 2021-05-12. Review status: no assertion criteria provided. Collection method: clinical testing. Allele origin: germline. Not counted in ClinVar's aggregate classification.
Comment: This variant is classified as likely benign based on ACMG/AMP sequence variant interpretation guidelines (Richards et al. 2015 PMID: 25741868, with internal and published modifications).

NM_001854.4(COL11A1):c.1309-7G>A

Gene: COL11A1 (collagen type XI alpha 1 chain; minus strand). Cytogenetic location: 1p21.1.
Variant type: single nucleotide variant.
Coding change: c.1309-7G>A on transcript NM_001854.4 (MANE Select); 7 bases into the intron before coding-DNA position 1309, G replaced by A.
Molecular consequence: intron variant.
Genome position (GRCh38, 1-based): chr1:103,018,866, C>T on the plus strand (G>A on the coding strand, the complement: COL11A1 is on the minus strand). VCF-style: chr1-103018866-C-T. GRCh37 (hg19) VCF-style: chr1-103484422-C-T.
Other names: c.1192-7G>A (NM_001190709.2); c.1345-7G>A (NM_080629.3); c.961-7G>A (NM_080630.4); c.1309-7G>A (NM_001854.3).
Identifiers: ClinVar variation 547201 (VCV000547201.13), dbSNP rs748684225, ClinGen allele CA975030.